The following is an entry in ClinVar:

NM_000038.6(APC):c.7793C>A (p.Thr2598Asn)

Gene: APC (APC regulator of Wnt signaling pathway; plus strand). Cytogenetic location: 5q22.2.
Variant type: single nucleotide variant.
Coding change: c.7793C>A on transcript NM_000038.6 (MANE Select); coding-DNA position 7793, C replaced by A.
Protein change: p.Thr2598Asn; replaces threonine 2598 with asparagine.
Molecular consequence: missense variant.
Genome position (GRCh38, 1-based): chr5:112,843,387, C>A. VCF-style: chr5-112843387-C-A. GRCh37 (hg19) VCF-style: chr5-112179084-C-A.
Other names: c.7793C>A, p.Thr2598Asn (NM_001127510.3, NM_001354895.2); c.7739C>A, p.Thr2580Asn (NM_001127511.3); c.7847C>A, p.Thr2616Asn (NM_001354896.2); c.7823C>A, p.Thr2608Asn (NM_001354897.2); c.7718C>A, p.Thr2573Asn (NM_001354898.2); c.7709C>A, p.Thr2570Asn (NM_001354899.2); c.7670C>A, p.Thr2557Asn (NM_001354900.2); c.7616C>A, p.Thr2539Asn (NM_001354901.2); and 5 more; short protein forms T2580N, T2598N, T2438N, T2539N, T2616N, T2315N, T2557N, T2570N.
Identifiers: ClinVar variation 236649 (VCV000236649.28), dbSNP rs747339588, ClinGen allele CA049224.
Genomic context (GRCh38, chr5:112,843,387, plus strand): 5'-CAGAATCCAGTGAAAAAGCAAAAAGTGAGGATGAAAAACATGTGAACTCTATTTCAGGAA[C>A]CAAACAAAGTAAAGAAAACCAAGTATCCGCAAAAGGAACATGGAGAAAAATAAAAGAAAA-3'
Protein context (NP_000029.2, residues 2588-2608): DEKHVNSISG[Thr2598Asn]KQSKENQVSA

ClinVar aggregate classification (germline): Conflicting classifications of pathogenicity. Review status: criteria provided, conflicting classifications (1 of 4 stars). 10 submissions from 10 submitters: Uncertain significance (9); Likely benign (1). Last evaluated 2025-12-15.

Conditions:
Hereditary cancer-predisposing syndrome. Also called: Hereditary neoplastic syndrome; Hereditary Cancer Syndrome; Neoplastic Syndromes, Hereditary; Tumor predisposition. Identifiers: Orphanet 140162, MedGen C0027672, MeSH D009386, MONDO:0015356.
Classic or attenuated familial adenomatous polyposis. Identifiers: MedGen CN372698, MONDO:0021057.
Familial adenomatous polyposis 1 (FAP1). Also called: FAMILIAL ADENOMATOUS POLYPOSIS 1, ATTENUATED; POLYPOSIS, ADENOMATOUS INTESTINAL. Identifiers: MedGen C2713442, MONDO:0021056, OMIM 175100. Disease mechanism: loss of function.

Allele frequency attached by ClinVar (database versions not stated): gnomAD exomes below 0.00001 and 0.00001; ExAC 0.00001; gnomAD 0.00001.
gnomAD v4.1: 7 of 1,613,264 alleles (0.00043%); highest among the groups gnomAD compares: Admixed American, 0.0017%; no homozygotes.

Submissions (10):

Labcorp Genetics (formerly Invitae), Labcorp
Classification: Uncertain significance for Familial adenomatous polyposis 1. Last evaluated: 2025-12-15. Review status: criteria provided, single submitter. Criteria: Invitae Variant Classification Sherloc (09022015). Collection method: clinical testing. Allele origin: germline.
Comment: This sequence change replaces threonine, which is neutral and polar, with asparagine, which is neutral and polar, at codon 2598 of the APC protein (p.Thr2598Asn). This variant is present in population databases (rs747339588, gnomAD 0.002%). This variant has not been reported in the literature in individuals affected with APC-related conditions. ClinVar contains an entry for this variant (Variation ID: 236649). Invitae Evidence Modeling of protein sequence and biophysical properties (such as structural, functional, and spatial information, amino acid conservation, physicochemical variation, residue mobility, and thermodynamic stability) indicates that this missense variant is not expected to disrupt APC protein function with a negative predictive value of 95%. In summary, the available evidence is currently insufficient to determine the role of this variant in disease. Therefore, it has been classified as a Variant of Uncertain Significance.

Department of Pathology and Laboratory Medicine, Sinai Health System
Classification: Uncertain significance for classic or attenuated familial adenomatous polyposis. Last evaluated: 2024-10-24. Review status: criteria provided, single submitter. Criteria: ACMG Guidelines, 2015. Collection method: clinical testing. Allele origin: germline.

Color Diagnostics, LLC DBA Color Health
Classification: Uncertain significance for Hereditary cancer-predisposing syndrome. Last evaluated: 2024-03-06. Review status: criteria provided, single submitter. Criteria: ACMG Guidelines, 2015. Collection method: clinical testing. Allele origin: germline.
Comment: This missense variant replaces threonine with asparagine at codon 2598 of the APC protein. Computational prediction suggests that this variant may not impact protein structure and function (internally defined REVEL score threshold <= 0.5, PMID: 27666373). To our knowledge, functional studies have not been reported for this variant. This variant has not been reported in individuals affected with APC-related disorders in the literature. This variant has been identified in 2/250430 chromosomes in the general population by the Genome Aggregation Database (gnomAD). The available evidence is insufficient to determine the role of this variant in disease conclusively. Therefore, this variant is classified as a Variant of Uncertain Significance.

Baylor Genetics
Classification: Uncertain significance for Familial adenomatous polyposis 1. Last evaluated: 2024-03-05. Review status: criteria provided, single submitter. Criteria: ACMG Guidelines, 2015. Collection method: clinical testing. Allele origin: unknown.

GeneDx
Classification: Uncertain significance. Last evaluated: 2023-10-24. Review status: criteria provided, single submitter. Criteria: GeneDx Variant Classification Process June 2021. Collection method: clinical testing. Allele origin: germline. Affected: yes.
Comment: Not observed at significant frequency in large population cohorts (gnomAD); In silico analysis supports that this missense variant does not alter protein structure/function; Has not been previously published as pathogenic or benign to our knowledge; This variant is associated with the following publications: (PMID: 18199528)

Quest Diagnostics Nichols Institute San Juan Capistrano
Classification: Uncertain significance. Last evaluated: 2023-10-12. Review status: criteria provided, single submitter. Criteria: Quest Diagnostics criteria. Collection method: clinical testing. Allele origin: unknown.

All of Us Research Program, National Institutes of Health
Classification: Uncertain significance for Classic or attenuated familial adenomatous polyposis. Last evaluated: 2023-09-17. Review status: criteria provided, single submitter. Criteria: ACMG Guidelines, 2015. Collection method: clinical testing. Allele origin: germline. Inheritance: Autosomal dominant inheritance. Observed: 4 variant alleles, 4 heterozygotes.
Comment: This missense variant replaces threonine with asparagine at codon 2598 of the APC protein. Computational prediction suggests that this variant may not impact protein structure and function (internally defined REVEL score threshold <= 0.5, PMID: 27666373). To our knowledge, functional studies have not been reported for this variant. This variant has not been reported in individuals affected with APC-related disorders in the literature. This variant has been identified in 2/250430 chromosomes in the general population by the Genome Aggregation Database (gnomAD). The available evidence is insufficient to determine the role of this variant in disease conclusively. Therefore, this variant is classified as a Variant of Uncertain Significance.

This study involves interpretation of variants in research participants for the purpose of population health screening. Participant phenotype was not available at the time of variant classification. Additional details can be found in publication PMID: 35346344, PMCID: PMC8962531

Women's Health and Genetics/Laboratory Corporation of America, LabCorp
Classification: Uncertain significance. Last evaluated: 2023-06-26. Review status: criteria provided, single submitter. Criteria: LabCorp Variant Classification Summary - May 2015. Collection method: clinical testing. Allele origin: germline.

Ambry Genetics
Classification: Likely benign for Hereditary cancer-predisposing syndrome. Last evaluated: 2023-04-27. Review status: criteria provided, single submitter. Criteria: Ambry Variant Classification Scheme 2023. Collection method: clinical testing. Allele origin: germline.

Sema4
Classification: Uncertain significance for Hereditary cancer-predisposing syndrome. Last evaluated: 2021-10-25. Review status: criteria provided, single submitter. Criteria: Sema4 Curation Guidelines. Collection method: curation. Allele origin: germline.
Comment: The APC c.7793C>A (p.T2598N) variant has not been reported in the literature to our knowledge. It was observed in 2/113144 chromosomes of the Non-Finnish European subpopulation in the large and broad cohorts of the Genome Aggregation Database (PMID: 32461654). The variant has been reported in ClinVar (Variation ID 236649). Functional studies have not been performed, and in silico predictions of the variant's effect on protein function are inconclusive. The evidence is insufficient to meet ACMG/AMP criteria for classifying the variant as benign or pathogenic. Thus, the clinical significance of this variant is currently uncertain.